The following is an entry in ClinVar:

NM_007215.4(POLG2):c.710C>T (p.Ala237Val)

Genes: MILR1 (mast cell immunoglobulin like receptor 1; plus strand), POLG2 (DNA polymerase gamma 2, accessory subunit; minus strand). Cytogenetic location: 17q23.3.
Variant type: single nucleotide variant.
Coding change: c.710C>T on transcript NM_007215.4 (MANE Select); coding-DNA position 710, C replaced by T.
Protein change: p.Ala237Val; replaces alanine 237 with valine.
Molecular consequence: missense variant.
Genome position (GRCh38, 1-based): chr17:64,492,752, G>A on the plus strand (C>T on the coding strand, the complement: POLG2 is on the minus strand). VCF-style: chr17-64492752-G-A. GRCh37 (hg19) VCF-style: chr17-62488869-G-A.
Other names: short protein forms A237V.
Identifiers: ClinVar variation 1978860 (VCV001978860.4), dbSNP rs782627230, ClinGen allele CA8712942.

ClinVar aggregate classification (germline): Uncertain significance (1 of 4 stars; one submission).

gnomAD v4.1: 1 of 1,612,272 alleles (0.000062%); highest among the groups gnomAD compares: East Asian, 0.0022%; no homozygotes.

Submission:

Labcorp Genetics (formerly Invitae), Labcorp
Classification: Uncertain significance. Last evaluated: 2024-12-19. Review status: criteria provided, single submitter. Criteria: Invitae Variant Classification Sherloc (09022015). Collection method: clinical testing. Allele origin: germline.
Comment: This sequence change replaces alanine, which is neutral and non-polar, with valine, which is neutral and non-polar, at codon 237 of the POLG2 protein (p.Ala237Val). This variant is present in population databases (rs782627230, gnomAD 0.01%). This variant has not been reported in the literature in individuals affected with POLG2-related conditions. ClinVar contains an entry for this variant (Variation ID: 1978860). An algorithm developed to predict the effect of missense changes on protein structure and function (PolyPhen-2) suggests that this variant is likely to be disruptive. In summary, the available evidence is currently insufficient to determine the role of this variant in disease. Therefore, it has been classified as a Variant of Uncertain Significance.